The following is an entry in ClinVar:

NM_018943.3(TUBA8):c.997G>A (p.Ala333Thr)

Gene: TUBA8 (tubulin alpha 8; plus strand). Cytogenetic location: 22q11.21.
Variant type: single nucleotide variant.
Coding change: c.997G>A on transcript NM_018943.3 (MANE Select); coding-DNA position 997, G replaced by A.
Protein change: p.Ala333Thr; replaces alanine 333 with threonine.
Molecular consequence: missense variant.
Genome position (GRCh38, 1-based): chr22:18,126,975, G>A. VCF-style: chr22-18126975-G-A. GRCh37 (hg19) VCF-style: chr22-18609742-G-A.
Other names: c.799G>A, p.Ala267Thr (NM_001193414.2); short protein forms A267T, A333T.
Identifiers: ClinVar variation 3676841 (VCV003676841.2).
Genomic context (GRCh38, chr22:18,126,975, plus strand): 5'-ATGGCCTGCTGCATGCTCTACCGGGGCGACGTGGTGCCCAAGGATGTGAATGTCGCTATT[G>A]CTGCCATCAAGACCAAGAGGACCATCCAGTTTGTAGACTGGTGTCCCACAGGCTTCAAGG-3'
Protein context (NP_061816.1, residues 323-343): VVPKDVNVAI[Ala333Thr]AIKTKRTIQF

ClinVar aggregate classification (germline): Uncertain significance (1 of 4 stars; one submission).

Submission:

Labcorp Genetics (formerly Invitae), Labcorp
Classification: Uncertain significance. Last evaluated: 2025-05-27. Review status: criteria provided, single submitter. Criteria: Invitae Variant Classification Sherloc (09022015). Collection method: clinical testing. Allele origin: germline.
Comment: This sequence change replaces alanine, which is neutral and non-polar, with threonine, which is neutral and polar, at codon 333 of the TUBA8 protein (p.Ala333Thr). This variant is not present in population databases (gnomAD no frequency). This variant has not been reported in the literature in individuals affected with TUBA8-related conditions. ClinVar contains an entry for this variant (Variation ID: 3676841). Invitae Evidence Modeling of protein sequence and biophysical properties (such as structural, functional, and spatial information, amino acid conservation, physicochemical variation, residue mobility, and thermodynamic stability) indicates that this missense variant is not expected to disrupt TUBA8 protein function with a negative predictive value of 80%. In summary, the available evidence is currently insufficient to determine the role of this variant in disease. Therefore, it has been classified as a Variant of Uncertain Significance.